The following is an entry in ClinVar:

NM_005264.8(GFRA1):c.552C>T (p.Asn184=)

Gene: GFRA1 (GDNF family receptor alpha 1; minus strand). Cytogenetic location: 10q25.3.
Variant type: single nucleotide variant.
Coding change: c.552C>T on transcript NM_005264.8 (MANE Select); coding-DNA position 552, C replaced by T.
Protein change: p.Asn184=; no amino-acid change (asparagine 184 retained).
Molecular consequence: synonymous variant.
Genome position (GRCh38, 1-based): chr10:116,125,439, G>A on the plus strand (C>T on the coding strand, the complement: GFRA1 is on the minus strand). VCF-style: chr10-116125439-G-A. GRCh37 (hg19) VCF-style: chr10-117884950-G-A.
Other names: c.537C>T, p.Asn179= (NM_001145453.4, NM_001348096.3, NM_001382556.2 and 6 more transcripts); c.552C>T, p.Asn184= (NM_001348097.1, NM_001348098.4); c.189C>T, p.Asn63= (NM_001348099.3).
Identifiers: ClinVar variation 3060424 (VCV003060424.2), dbSNP rs2245020, ClinGen allele CA5705370.

ClinVar aggregate classification (germline): Benign (0 of 4 stars; one submission).

Conditions:
GFRA1-related disorder. Also called: GFRA1-related condition.

Allele frequency attached by ClinVar (database versions not stated): 1000 Genomes Project 30x 0.47783; ESP Exome Variant Server 0.48370; 1000 Genomes Project 0.48502; TOPMed 0.49405; gnomAD 0.49633; ExAC 0.55672; gnomAD exomes 0.56142.
gnomAD v4.1: 895,568 of 1,613,566 alleles (56%); highest among the groups gnomAD compares: Admixed American, 68%; 252,262 homozygotes.

Submission:

PreventionGenetics, part of Exact Sciences
Classification: Benign for GFRA1-related condition. Last evaluated: 2019-10-17. Review status: no assertion criteria provided. Collection method: clinical testing. Allele origin: germline.
Comment: This variant is classified as benign based on ACMG/AMP sequence variant interpretation guidelines (Richards et al. 2015 PMID: 25741868, with internal and published modifications).